The following is an entry in ClinVar:

NM_020442.6(VARS2):c.1480-9T>C

Gene: VARS2 (valyl-tRNA synthetase 2, mitochondrial; plus strand). Cytogenetic location: 6p21.33.
Variant type: single nucleotide variant.
Coding change: c.1480-9T>C on transcript NM_020442.6 (MANE Select); 9 bases into the intron before coding-DNA position 1480, T replaced by C.
Molecular consequence: intron variant.
Genome position (GRCh38, 1-based): chr6:30,921,056, T>C. VCF-style: chr6-30921056-T-C. GRCh37 (hg19) VCF-style: chr6-30888833-T-C.
Other names: p.?; c.1570-9T>C (NM_001167734.2); c.1060-9T>C (NM_001167733.3).
Identifiers: ClinVar variation 382613 (VCV000382613.10), dbSNP rs116172961, ClinGen allele CA3705929.
Genomic context (GRCh38, chr6:30,921,056, plus strand): 5'-CTCGTCCTATCTGTGGAGGTGCGGCCGTGCAGGAAGGGCAACATTGTCTAAAGTCCCCTT[T>C]CTCTCCAGGCTGTGGAGTCGGGGGCCCTGGAGCTCAGTCCCTCCTTCCACCAGAAGAACT-3'

ClinVar aggregate classification (germline): Benign. Review status: criteria provided, multiple submitters, no conflicts (2 of 4 stars). 3 submissions from 3 submitters: Benign (3). Last evaluated 2026-01-28.

Allele frequency attached by ClinVar (database versions not stated): gnomAD exomes 0.00216 and 0.00327; ExAC 0.00400; ESP Exome Variant Server 0.00853; gnomAD 0.00884 and 0.00932; TOPMed 0.01038; 1000 Genomes Project 0.01138; 1000 Genomes Project 30x 0.01218.
gnomAD v4.1: 4,539 of 1,606,942 alleles (0.28%); highest among the groups gnomAD compares: African/African-American, 2.7%; 35 homozygotes.

Submissions (3):

Labcorp Genetics (formerly Invitae), Labcorp
Classification: Benign. Last evaluated: 2026-01-28. Review status: criteria provided, single submitter. Criteria: Invitae Variant Classification Sherloc (09022015). Collection method: clinical testing. Allele origin: germline.

Mayo Clinic Laboratories, Mayo Clinic
Classification: Benign. Last evaluated: 2018-08-01. Review status: criteria provided, single submitter. Criteria: ACMG Guidelines, 2015. Collection method: clinical testing. Allele origin: germline. Observed: 17 variant alleles.

GeneDx
Classification: Benign. Last evaluated: 2016-04-15. Review status: criteria provided, single submitter. Criteria: GeneDx Variant Classification (06012015). Collection method: clinical testing. Allele origin: germline. Affected: yes.
Comment: This variant is considered likely benign or benign based on one or more of the following criteria: it is a conservative change, it occurs at a poorly conserved position in the protein, it is predicted to be benign by multiple in silico algorithms, and/or has population frequency not consistent with disease.